The following is an entry in ClinVar:

NM_177531.6(PKHD1L1):c.12330+2T>A

Genes: PKHD1L1 (PKHD1 like 1; plus strand), LOC126860473 (MED14-independent group 3 enhancer GRCh37_chr8:110534343-110535542; plus strand). Cytogenetic location: 8q23.2.
Variant type: single nucleotide variant.
Coding change: c.12330+2T>A on transcript NM_177531.6 (MANE Select); the canonical splice donor site of the intron after coding-DNA position 12330, T replaced by A.
Molecular consequence: splice donor variant.
Genome position (GRCh38, 1-based): chr8:109,522,892, T>A. VCF-style: chr8-109522892-T-A. GRCh37 (hg19) VCF-style: chr8-110535121-T-A.
Identifiers: ClinVar variation 3352523 (VCV003352523.1).

ClinVar aggregate classification (germline): Uncertain significance (0 of 4 stars; one submission).

Conditions:
PKHD1L1-related disorder. Also called: PKHD1L1-related condition.

gnomAD v4.1: 21 of 1,594,216 alleles (0.0013%); highest among the groups gnomAD compares: Admixed American, 0.0018%; no homozygotes.

Submission:

PreventionGenetics, part of Exact Sciences
Classification: Uncertain significance for PKHD1L1-related condition. Last evaluated: 2024-06-04. Review status: no assertion criteria provided. Collection method: clinical testing. Allele origin: germline.
Comment: The PKHD1L1 c.12330+2T>A variant is predicted to disrupt the GT donor site and interfere with normal splicing. This canonical splice variant is located in the intron 75 out of 78 exons. To our knowledge, this variant has not been reported in the literature. No variants downstream of this variant have been reported in association with PKHD1L1 related disorders in the literature. To date, splicing variants in this gene have not been established to be disease causing. This variant is reported in 0.0020% of alleles in individuals of European (Non-Finnish) descent in gnomAD. At this time, the clinical significance of this variant is uncertain due to the absence of conclusive functional and genetic evidence.